The following is an entry in ClinVar:

ClinVar aggregate classification (germline): Benign. Review status: criteria provided, multiple submitters, no conflicts (2 of 4 stars). 18 submissions from 14 submitters: Benign (16). 2 of the submissions do not count toward it. Last evaluated 2026-02-04.

Conditions:
Dilated cardiomyopathy 1G (CMD1G). Identifiers: Orphanet 154, MedGen C1858763, MONDO:0011400, OMIM 604145.
Autosomal recessive limb-girdle muscular dystrophy type 2J (LGMDR10). Also called: MUSCULAR DYSTROPHY, LIMB-GIRDLE, AUTOSOMAL RECESSIVE 10; Limb-girdle muscular dystrophy, type 2J. Identifiers: Orphanet 140922, MedGen C1837342, MONDO:0012127, OMIM 608807.
Cardiovascular phenotype. Identifiers: MedGen CN230736.
Early-onset myopathy with fatal cardiomyopathy (CMYO5). Also called: CONGENITAL MYOPATHY 5 WITH CARDIOMYOPATHY; Salih Myopathy. Identifiers: Orphanet 289377, MedGen C2673677, MONDO:0012714, OMIM 611705. Disease mechanism: loss of function.
Myopathy, myofibrillar, 9, with early respiratory failure (MFM9). Also called: Myopathy, distal, with early respiratory failure, autosomal dominant; Hereditary myopathy with early respiratory failure; MYOPATHY, PROXIMAL, WITH EARLY RESPIRATORY MUSCLE INVOLVEMENT; EDSTROM MYOPATHY. Identifiers: Orphanet 178464, Orphanet 34521, MedGen C1863599, MONDO:0011362, OMIM 603689.
Tibial muscular dystrophy (TMD). Also called: Udd Distal Myopathy – Tibial Muscular Dystrophy; Tibial muscular dystrophy, tardive; UDD MYOPATHY. Identifiers: Orphanet 609, MedGen C1838244, MONDO:0010870, OMIM 600334.

Allele frequency attached by ClinVar (database versions not stated): gnomAD exomes 0.16908 and 0.18909; ESP Exome Variant Server 0.15270; gnomAD 0.16327 and 0.16875; TOPMed 0.17427; 1000 Genomes Project 30x 0.23345; ExAC 0.25990; 1000 Genomes Project 0.23842.
gnomAD v4.1: 267,336 of 1,574,886 alleles (17%); highest among the groups gnomAD compares: East Asian, 46%; 25,619 homozygotes.

Submissions (18):

Labcorp Genetics (formerly Invitae), Labcorp
Classification: Benign for Dilated cardiomyopathy 1G; Autosomal recessive limb-girdle muscular dystrophy type 2J. Last evaluated: 2026-02-04. Review status: criteria provided, single submitter. Criteria: Invitae Variant Classification Sherloc (09022015). Collection method: clinical testing. Allele origin: germline.

Molecular Diagnostic Laboratory for Inherited Cardiovascular Disease, Montreal Heart Institute
Classification: Benign. Last evaluated: 2025-04-09. Review status: criteria provided, single submitter. Criteria: ACMG Guidelines, 2015. Collection method: clinical testing. Allele origin: germline. Affected: no.

Women's Health and Genetics/Laboratory Corporation of America, LabCorp
Classification: Benign. Last evaluated: 2019-08-19. Review status: criteria provided, single submitter. Criteria: LabCorp Variant Classification Summary - May 2015. Collection method: clinical testing. Allele origin: germline.

Athena Diagnostics
Classification: Benign. Last evaluated: 2018-06-21. Review status: criteria provided, single submitter. Criteria: Athena Diagnostics Criteria. Collection method: clinical testing. Allele origin: germline.

Illumina Laboratory Services, Illumina
Classification: Benign for Early-onset myopathy with fatal cardiomyopathy. Last evaluated: 2018-01-12. Review status: criteria provided, single submitter. Criteria: ICSL Variant Classification Criteria 13 December 2019. Collection method: clinical testing. Allele origin: germline.
Comment: This variant was observed in the ICSL laboratory as part of a predisposition screen in an ostensibly healthy population. It had not been previously curated by ICSL or reported in the Human Gene Mutation Database (HGMD: prior to June 1st, 2018), and was therefore a candidate for classification through an automated scoring system. Utilizing variant allele frequency, disease prevalence and penetrance estimates, and inheritance mode, an automated score was calculated to assess if this variant is too frequent to cause the disease. Based on the score and internal cut-off values, a variant classified as benign is not then subjected to further curation. The score for this variant resulted in a classification of benign for this disease.

Illumina Laboratory Services, Illumina
Classification: Benign for Dilated cardiomyopathy 1G. Last evaluated: 2018-01-12. Review status: criteria provided, single submitter. Criteria: ICSL Variant Classification Criteria 13 December 2019. Collection method: clinical testing. Allele origin: germline.
Comment: the same text as in the submission from Illumina Laboratory Services, Illumina above.

Illumina Laboratory Services, Illumina
Classification: Benign for Tibial muscular dystrophy. Last evaluated: 2018-01-12. Review status: criteria provided, single submitter. Criteria: ICSL Variant Classification Criteria 13 December 2019. Collection method: clinical testing. Allele origin: germline.
Comment: the same text as in the submission from Illumina Laboratory Services, Illumina above.

Illumina Laboratory Services, Illumina
Classification: Benign for Myopathy, myofibrillar, 9, with early respiratory failure. Last evaluated: 2018-01-12. Review status: criteria provided, single submitter. Criteria: ICSL Variant Classification Criteria 13 December 2019. Collection method: clinical testing. Allele origin: germline.
Comment: the same text as in the submission from Illumina Laboratory Services, Illumina above.

Illumina Laboratory Services, Illumina
Classification: Benign for Autosomal recessive limb-girdle muscular dystrophy type 2J. Last evaluated: 2018-01-12. Review status: criteria provided, single submitter. Criteria: ICSL Variant Classification Criteria 13 December 2019. Collection method: clinical testing. Allele origin: germline.
Comment: the same text as in the submission from Illumina Laboratory Services, Illumina above.

Mayo Clinic Laboratories, Mayo Clinic
Classification: Benign. Last evaluated: 2017-08-25. Review status: criteria provided, single submitter. Criteria: ACMG Guidelines, 2015. Collection method: clinical testing. Allele origin: germline. Observed: 735 variant alleles.

Genetic Services Laboratory, University of Chicago
Classification: Benign for AllHighlyPenetrant. Last evaluated: 2013-08-15. Review status: criteria provided, single submitter. Criteria: ACMG Guidelines, 2007. Collection method: clinical testing. Allele origin: germline.

Ambry Genetics
Classification: Benign for Cardiovascular phenotype. Last evaluated: 2013-01-16. Review status: criteria provided, single submitter. Criteria: Ambry Autosomal Dominant and X-Linked criteria (10/2015). Collection method: clinical testing. Allele origin: germline. Observed: 1 variant allele.

GeneDx
Classification: Benign. Last evaluated: 2012-10-31. Review status: criteria provided, single submitter. Criteria: GeneDx Variant Classification (06012015). Collection method: clinical testing. Allele origin: germline. Affected: yes.
Comment: This variant is considered likely benign or benign based on one or more of the following criteria: it is a conservative change, it occurs at a poorly conserved position in the protein, it is predicted to be benign by multiple in silico algorithms, and/or has population frequency not consistent with disease.

Laboratory for Molecular Medicine, Mass General Brigham Personalized Medicine
Classification: Benign. Last evaluated: 2012-04-11. Review status: criteria provided, single submitter. Criteria: LMM Criteria. Collection method: clinical testing. Allele origin: germline. Observed: 574 variant alleles.

Breakthrough Genomics
Classification: Benign. Review status: criteria provided, single submitter. Criteria: ACMG Guidelines, 2015. Collection method: not provided. Allele origin: germline. Inheritance: Autosomal recessive inheritance. Affected: yes.

PreventionGenetics, part of Exact Sciences
Classification: Benign. Review status: criteria provided, single submitter. Criteria: ACMG Guidelines, 2015. Collection method: clinical testing. Allele origin: germline.

Clinical Genetics DNA and cytogenetics Diagnostics Lab, Erasmus MC, Erasmus Medical Center
Classification: Benign. Review status: no assertion criteria provided. Collection method: clinical testing. Allele origin: germline. Affected: yes. Study: VKGL Data-share Consensus. Not counted in ClinVar's aggregate classification.

Clinical Genetics, Academic Medical Center
Classification: Benign. Review status: no assertion criteria provided. Collection method: clinical testing. Allele origin: germline. Affected: yes. Study: VKGL Data-share Consensus. Not counted in ClinVar's aggregate classification.

NM_001267550.2(TTN):c.33834G>A (p.Glu11278=)

Gene: TTN (titin; minus strand). Cytogenetic location: 2q31.2.
Variant type: single nucleotide variant.
Coding change: c.33834G>A on transcript NM_001267550.2 (MANE Select); coding-DNA position 33834, G replaced by A.
Protein change: p.Glu11278=; no amino-acid change (glutamic acid 11278 retained).
Molecular consequence: synonymous variant. On other transcripts: intron variant (3).
Genome position (GRCh38, 1-based): chr2:178,678,490, C>T on the plus strand (G>A on the coding strand, the complement: TTN is on the minus strand). VCF-style: chr2-178678490-C-T. GRCh37 (hg19) VCF-style: chr2-179543217-C-T.
Other names: p.E10961E:GAG>GAA; p.Glu10034=; c.32883G>A, p.Glu10961= (NM_001256850.1); c.30102G>A, p.Glu10034= (NM_133378.4); c.13283-36173G>A (NM_003319.4); c.13859-36173G>A (NM_133437.4); c.13658-36173G>A (NM_133432.3).
Identifiers: ClinVar variation 46894 (VCV000046894.32), dbSNP rs35112591, ClinGen allele CA283159.